The following is an entry in ClinVar:

NM_006231.4(POLE):c.2680G>C (p.Gly894Arg)

Gene: POLE (DNA polymerase epsilon, catalytic subunit; minus strand). Cytogenetic location: 12q24.33.
Variant type: single nucleotide variant.
Coding change: c.2680G>C on transcript NM_006231.4 (MANE Select); coding-DNA position 2680, G replaced by C.
Protein change: p.Gly894Arg; replaces glycine 894 with arginine.
Molecular consequence: missense variant.
Genome position (GRCh38, 1-based): chr12:132,664,030, C>G on the plus strand (G>C on the coding strand, the complement: POLE is on the minus strand). VCF-style: chr12-132664030-C-G. GRCh37 (hg19) VCF-style: chr12-133240616-C-G.
Other names: short protein forms G894R.
Identifiers: ClinVar variation 3661730 (VCV003661730.2).
Genomic context (GRCh38, chr12:132,664,030, plus strand): 5'-GCCAGAGCTTCAGGACCAGAGGCCCCAGACTCACCTTGACCATGATGTTCAACATGGCGC[C>G]TGGGTAGGAGATGGTCACTTTGGGCTTCTTCACATTGGTCGTCTTGAAGACAAAATTTTC-3'
Protein context (NP_006222.2, residues 884-904): KKPKVTISYP[Gly894Arg]AMLNIMVKEG

ClinVar aggregate classification (germline): Uncertain significance (1 of 4 stars; one submission).

Submission:

Labcorp Genetics (formerly Invitae), Labcorp
Classification: Uncertain significance. Last evaluated: 2024-08-08. Review status: criteria provided, single submitter. Criteria: Invitae Variant Classification Sherloc (09022015). Collection method: clinical testing. Allele origin: germline.
Comment: This sequence change replaces glycine, which is neutral and non-polar, with arginine, which is basic and polar, at codon 894 of the POLE protein (p.Gly894Arg). This variant is not present in population databases (gnomAD no frequency). This variant has not been reported in the literature in individuals affected with POLE-related conditions. Advanced modeling of protein sequence and biophysical properties (such as structural, functional, and spatial information, amino acid conservation, physicochemical variation, residue mobility, and thermodynamic stability) performed at Invitae indicates that this missense variant is expected to disrupt POLE protein function with a positive predictive value of 80%. In summary, the available evidence is currently insufficient to determine the role of this variant in disease. Therefore, it has been classified as a Variant of Uncertain Significance.